The following is an entry in ClinVar:

ClinVar aggregate classification (germline): Likely pathogenic. Review status: criteria provided, multiple submitters, no conflicts (2 of 4 stars). 2 submissions from 2 submitters: Likely pathogenic (2). Last evaluated 2026-07-21.

Conditions:
Cardiovascular phenotype. Identifiers: MedGen CN230736.
Dilated cardiomyopathy 1G (CMD1G). Identifiers: Orphanet 154, MedGen C1858763, MONDO:0011400, OMIM 604145.
Autosomal recessive limb-girdle muscular dystrophy type 2J (LGMDR10). Also called: Limb-girdle muscular dystrophy, type 2J; MUSCULAR DYSTROPHY, LIMB-GIRDLE, AUTOSOMAL RECESSIVE 10. Identifiers: Orphanet 140922, MedGen C1837342, MONDO:0012127, OMIM 608807.

Submissions (2):

Ambry Genetics
Classification: Likely pathogenic for Cardiovascular phenotype. Last evaluated: 2026-07-21. Review status: criteria provided, single submitter. Criteria: Ambry Variant Classification Scheme 2023. Collection method: clinical testing. Allele origin: germline.
Comment: The c.25630delC variant, located in coding exon 103 of the TTN gene, results from a deletion of one nucleotide at nucleotide position 25630, causing a translational frameshift with a predicted alternate stop codon (p.Q8544Sfs*15). This exon is located in the A-band region of the N2-B isoform of the titin protein and is constitutively expressed in TTN transcripts (percent spliced in or PSI 100%). This variant is considered to be rare based on population cohorts in the Genome Aggregation Database (gnomAD). This variant is expected to result in loss of function by premature protein truncation or nonsense-mediated mRNA decay. While truncating variants in TTN are present in 1-3% of the general population, truncating variants in the A-band are the most common cause of dilated cardiomyopathy (Herman DS et al. N. Engl. J. Med., 2012 Feb;366:619-28; Roberts AM et al. Sci Transl Med, 2015 Jan;7:270ra6). TTN truncating variants encoded in constitutive exons (PSI >90%) have been found to be significantly associated with DCM regardless of their position in titin (Schafer S et al. Nat. Genet., 2017 01;49:46-53; Akhtar MM et al. Circ Heart Fail, 2020 Oct;13:e006832; Massier M et al. Clin Genet, 2025 Jan). Based on the majority of available evidence to date, this variant is likely to be pathogenic.

Labcorp Genetics (formerly Invitae), Labcorp
Classification: Likely pathogenic for Dilated cardiomyopathy 1G; Autosomal recessive limb-girdle muscular dystrophy type 2J. Last evaluated: 2025-09-27. Review status: criteria provided, single submitter. Criteria: Invitae Variant Classification Sherloc (09022015). Collection method: clinical testing. Allele origin: germline.
Comment: This sequence change creates a premature translational stop signal (p.Gln17609Serfs*15) in the TTN gene. While this is not anticipated to result in nonsense mediated decay, it is expected to create a truncated TTN protein. This variant is not present in population databases (gnomAD no frequency). This variant has not been reported in the literature in individuals affected with TTN-related conditions. ClinVar contains an entry for this variant (Variation ID: 849819). This variant is located in the A band of TTN (PMID: 25589632). Truncating variants in this region are significantly overrepresented in patients affected with dilated cardiomyopathy (PMID: 25589632). Truncating variants in this region have also been reported in individuals affected with autosomal recessive centronuclear myopathy (PMID: 23975875). In summary, the currently available evidence indicates that the variant is pathogenic, but additional data are needed to prove that conclusively. Therefore, this variant has been classified as Likely Pathogenic.

Literature cited by the submitters: PubMed 25589632 (cited by Labcorp Genetics (formerly Invitae), Labcorp); PubMed 23975875 (cited by Labcorp Genetics (formerly Invitae), Labcorp).

NM_001267550.2(TTN):c.52825del (p.Gln17609fs)

Genes: TTN (titin; minus strand), TTN-AS1 (TTN antisense RNA 1; plus strand), LOC126806425 (BRD4-independent group 4 enhancer GRCh37_chr2:179471933-179473132; plus strand). Cytogenetic location: 2q31.2.
Variant type: Deletion.
Coding change: c.52825del on transcript NM_001267550.2 (MANE Select); coding-DNA position 52825, one base deleted (C; older notation c.52825delC).
Protein change: p.Gln17609fs; shifts the reading frame from glutamine 17609.
Molecular consequence: frameshift variant.
Genome position (GRCh38, 1-based): chr2:178,607,962, G deleted on the plus strand (C on the coding strand, the reverse complement: TTN is on the minus strand). VCF-style (leftmost placement, unchanged base first): chr2-178607961-TG-T. GRCh37 (hg19) VCF-style: chr2-179472688-TG-T.
Other names: c.47902del, p.Gln15968fs (NM_001256850.1); c.25630del, p.Gln8544fs (NM_003319.4); c.45121del, p.Gln15041fs (NM_133378.4); c.26005del, p.Gln8669fs (NM_133432.3); c.26206del, p.Gln8736fs (NM_133437.4); c.25630delC (NM_003319.4); short protein forms Q17609fs, Q15041fs, Q15968fs, Q8544fs, Q8736fs, Q8669fs.
Identifiers: ClinVar variation 849819 (VCV000849819.11), dbSNP rs2055323171, ClinGen allele CA916081361.
Genomic context (GRCh38, chr2:178,607,961, plus strand): 5'-TACTGACGGACCTTGATCATCTTCTCTGTGCAGCGTGACCATTCATTTGTGCCAACCAAC[TG>T]CTTATCAACAAAATAGCCAACAATTTCCCCACCACCATTGAAAGCTGGGGGTTCCCATTC-3'